The following is an entry in ClinVar:

ClinVar aggregate classification (germline): Uncertain significance. Review status: criteria provided, multiple submitters, no conflicts (2 of 4 stars). 3 submissions from 3 submitters: Uncertain significance (3). Last evaluated 2024-11-06.

Conditions:
Spastic paraplegia. Identifiers: MedGen C0037772, HP:0001258.

Allele frequency attached by ClinVar (database versions not stated): ExAC 0.00001; TOPMed 0.00002; gnomAD 0.00003; gnomAD exomes 0.00003; ESP Exome Variant Server 0.00008.
gnomAD v4.1: 44 of 1,611,612 alleles (0.0027%); highest among the groups gnomAD compares: South Asian, 0.0066%; no homozygotes.

Submissions (3):

Women's Health and Genetics/Laboratory Corporation of America, LabCorp
Classification: Uncertain significance. Last evaluated: 2024-11-06. Review status: criteria provided, single submitter. Criteria: LabCorp Variant Classification Summary - May 2015. Collection method: clinical testing. Allele origin: germline.
Comment: Variant summary: ZFYVE27 c.968A>G (p.Asn323Ser) results in a conservative amino acid change in the encoded protein sequence. Three of five in-silico tools predict a damaging effect of the variant on protein function. The variant allele was found at a frequency of 2.5e-05 in 242772 control chromosomes. The available data on variant occurrences in the general population are insufficient to allow any conclusion about variant significance. To our knowledge, no occurrence of c.968A>G in individuals affected with Hereditary Spastic Paraplegia 33 and no experimental evidence demonstrating its impact on protein function have been reported. ClinVar contains an entry for this variant (Variation ID: 2158733). Based on the evidence outlined above, the variant was classified as uncertain significance.

Ambry Genetics
Classification: Uncertain significance. Last evaluated: 2023-12-17. Review status: criteria provided, single submitter. Criteria: Ambry Variant Classification Scheme 2023. Collection method: clinical testing. Allele origin: germline.

Labcorp Genetics (formerly Invitae), Labcorp
Classification: Uncertain significance for Spastic paraplegia. Last evaluated: 2023-06-02. Review status: criteria provided, single submitter. Criteria: Invitae Variant Classification Sherloc (09022015). Collection method: clinical testing. Allele origin: germline.
Comment: This variant is present in population databases (rs139998883, gnomAD 0.007%). This sequence change replaces asparagine, which is neutral and polar, with serine, which is neutral and polar, at codon 323 of the ZFYVE27 protein (p.Asn323Ser). This variant has not been reported in the literature in individuals affected with ZFYVE27-related conditions. In summary, the available evidence is currently insufficient to determine the role of this variant in disease. Therefore, it has been classified as a Variant of Uncertain Significance. An algorithm developed to predict the effect of missense changes on protein structure and function (PolyPhen-2) suggests that this variant is likely to be disruptive. ClinVar contains an entry for this variant (Variation ID: 2158733).

NM_001385875.1(ZFYVE27):c.953A>G (p.Asn318Ser)

Gene: ZFYVE27 (zinc finger FYVE-type containing 27; plus strand). Cytogenetic location: 10q24.2.
Variant type: single nucleotide variant.
Coding change: c.953A>G on transcript NM_001385875.1 (MANE Select); coding-DNA position 953, A replaced by G.
Protein change: p.Asn318Ser; replaces asparagine 318 with serine.
Molecular consequence: missense variant. On other transcripts: non-coding transcript variant (17).
Genome position (GRCh38, 1-based): chr10:97,753,093, A>G. VCF-style: chr10-97753093-A-G. GRCh37 (hg19) VCF-style: chr10-99512850-A-G.
Other names: c.836A>G, p.Asn279Ser (NM_001174119.2, NM_001385889.1); c.674A>G, p.Asn225Ser (NM_001174120.2); c.653A>G, p.Asn218Ser (NM_001174121.2, NM_001385915.1); c.578A>G, p.Asn193Ser (NM_001174122.2); c.968A>G, p.Asn323Ser (NM_001385871.1, NM_001002261.4); c.947A>G, p.Asn316Ser (NM_001385878.1, NM_001385879.1, NM_001385882.1); c.851A>G, p.Asn284Ser (NM_001385887.1, NM_001385888.1, NM_001385886.1); c.932A>G, p.Asn311Ser (NM_001385880.1, NM_001385881.1, NM_001385883.1 and 2 more transcripts); and 15 more; short protein forms N218S, N230S, N237S, N250S, N255S, N279S, N291S, N100S.
Identifiers: ClinVar variation 2158733 (VCV002158733.6), dbSNP rs139998883, ClinGen allele CA5635385.